The following is an entry in ClinVar:

NM_000179.3(MSH6):c.3755T>C (p.Leu1252Ser)

Gene: MSH6 (mutS homolog 6; plus strand). Cytogenetic location: 2p16.3.
Variant type: single nucleotide variant.
Coding change: c.3755T>C on transcript NM_000179.3 (MANE Select); coding-DNA position 3755, T replaced by C.
Protein change: p.Leu1252Ser; replaces leucine 1252 with serine.
Molecular consequence: missense variant. On other transcripts: non-coding transcript variant (5).
Genome position (GRCh38, 1-based): chr2:47,806,312, T>C. VCF-style: chr2-47806312-T-C. GRCh37 (hg19) VCF-style: chr2-48033451-T-C.
Other names: c.3230T>C, p.Leu1077Ser (NM_001406799.1, NM_001406806.1, NM_001406807.1); c.3755T>C, p.Leu1252Ser (NM_001406800.1, NM_001406808.1, NM_001406809.1 and 1 more transcripts); c.3458T>C, p.Leu1153Ser (NM_001406801.1, NM_001406805.1, NM_001406818.1 and 10 more transcripts); c.3851T>C, p.Leu1284Ser (NM_001406802.1, NM_001406795.1); c.2891T>C, p.Leu964Ser (NM_001406803.1); c.3677T>C, p.Leu1226Ser (NM_001406804.1); c.2849T>C, p.Leu950Ser (NM_001406811.1, NM_001406812.1, NM_001406814.1 and 6 more transcripts); c.3761T>C, p.Leu1254Ser (NM_001406813.1); and 7 more; short protein forms L1196S, L1252S, L179S, L964S, L1122S, L1194S, L1284S, L1077S.
Identifiers: ClinVar variation 3729981 (VCV003729981.4).

ClinVar aggregate classification (germline): Uncertain significance. Review status: criteria provided, multiple submitters, no conflicts (2 of 4 stars). 3 submissions from 3 submitters: Uncertain significance (3). Last evaluated 2026-07-06.

Conditions:
Hereditary cancer-predisposing syndrome. Also called: Tumor predisposition; Hereditary neoplastic syndrome; Hereditary Cancer Syndrome; Neoplastic Syndromes, Hereditary. Identifiers: Orphanet 140162, MedGen C0027672, MeSH D009386, MONDO:0015356.
Hereditary nonpolyposis colorectal neoplasms. Identifiers: MedGen C0009405, MeSH D003123.

Submissions (3):

Ambry Genetics
Classification: Uncertain significance for Hereditary cancer-predisposing syndrome. Last evaluated: 2026-07-06. Review status: criteria provided, single submitter. Criteria: Ambry Variant Classification Scheme 2023. Collection method: clinical testing. Allele origin: germline.
Comment: The p.L1252S variant (also known as c.3755T>C), located in coding exon 8 of the MSH6 gene, results from a T to C substitution at nucleotide position 3755. The leucine at codon 1252 is replaced by serine, an amino acid with dissimilar properties. This amino acid position is conserved. In addition, this alteration is predicted to be deleterious by in silico analysis. Based on the available evidence, the clinical significance of this variant remains unclear.

Labcorp Genetics (formerly Invitae), Labcorp
Classification: Uncertain significance for Hereditary nonpolyposis colorectal neoplasms. Last evaluated: 2025-03-10. Review status: criteria provided, single submitter. Criteria: Invitae Variant Classification Sherloc (09022015). Collection method: clinical testing. Allele origin: germline.
Comment: This sequence change replaces leucine, which is neutral and non-polar, with serine, which is neutral and polar, at codon 1252 of the MSH6 protein (p.Leu1252Ser). This variant is not present in population databases (gnomAD no frequency). This variant has not been reported in the literature in individuals affected with MSH6-related conditions. Invitae Evidence Modeling of protein sequence and biophysical properties (such as structural, functional, and spatial information, amino acid conservation, physicochemical variation, residue mobility, and thermodynamic stability) indicates that this missense variant is expected to disrupt MSH6 protein function with a positive predictive value of 95%. In summary, the available evidence is currently insufficient to determine the role of this variant in disease. Therefore, it has been classified as a Variant of Uncertain Significance.

Color Diagnostics, LLC DBA Color Health
Classification: Uncertain significance for Hereditary cancer-predisposing syndrome. Last evaluated: 2024-09-24. Review status: criteria provided, single submitter. Criteria: ACMG Guidelines, 2015. Collection method: clinical testing. Allele origin: germline.
Comment: This missense variant replaces leucine with serine at codon 1252 of the MSH6 protein. Computational prediction suggests that this variant may have deleterious impact on protein structure and function (internally defined REVEL score threshold >= 0.7, PMID: 27666373). To our knowledge, functional studies have not been reported for this variant. This variant has not been reported in individuals affected with MSH6-related disorders in the literature. This variant has not been identified in the general population by the Genome Aggregation Database (gnomAD). The available evidence is insufficient to determine the role of this variant in disease conclusively. Therefore, this variant is classified as a Variant of Uncertain Significance.